The following is an entry in ClinVar:

ClinVar aggregate classification (germline): Uncertain significance. Review status: criteria provided, multiple submitters, no conflicts (2 of 4 stars). 9 submissions from 9 submitters: Uncertain significance (8). 1 of the submissions does not count toward it. Last evaluated 2026-02-13.

Conditions:
Cardiovascular phenotype. Identifiers: MedGen CN230736.
MYH6-related disorder. Also called: MYH6-Related Disorders; MYH6-related condition.
Hypertrophic cardiomyopathy 1 (CMH1). Also called: Familial hypertrophic cardiomyopathy 1; MYH7-Related Familial Hypertrophic Cardiomyopathy. Identifiers: MedGen C3495498, MONDO:0008647, OMIM 192600.
Dilated cardiomyopathy 1EE (CMD1EE). Identifiers: Orphanet 154, MedGen C2750466, MONDO:0013198, OMIM 613252.
Hypertrophic cardiomyopathy 14. Identifiers: MedGen C2750467, MONDO:0013197, OMIM 613251.
Atrial septal defect 3 (ASD3). Identifiers: Orphanet 1478, MedGen C3279790, MONDO:0013567, OMIM 614089.
Sick sinus syndrome 3, susceptibility to (SSS3). Identifiers: Orphanet 166282, MedGen C3279791, MONDO:0013568, OMIM 614090.
Hypertrophic cardiomyopathy. Also called: HYPERTROPHIC MYOCARDIOPATHY. Identifiers: Orphanet 217569, MedGen C0007194, MeSH D002312, MONDO:0005045, HP:0001639.

Allele frequency attached by ClinVar (database versions not stated): gnomAD 0.00001; gnomAD exomes 0.00001 and 0.00002; TOPMed 0.00002.
gnomAD v4.1: 17 of 1,614,210 alleles (0.0011%); highest among the groups gnomAD compares: Admixed American, 0.0067%; no homozygotes.

Submissions (9):

OLLIN Analises Genomicas, OLLIN
Classification: Uncertain significance for Hypertrophic cardiomyopathy 14. Last evaluated: 2026-02-13. Review status: criteria provided, single submitter. Criteria: ACMG Guidelines 2015 PMID 25741868. Collection method: clinical testing. Allele origin: germline. Observed: 1 variant allele.
Comment: PP3

Labcorp Genetics (formerly Invitae), Labcorp
Classification: Uncertain significance for Hypertrophic cardiomyopathy 14. Last evaluated: 2025-04-30. Review status: criteria provided, single submitter. Criteria: Invitae Variant Classification Sherloc (09022015). Collection method: clinical testing. Allele origin: germline.
Comment: This sequence change replaces arginine, which is basic and polar, with histidine, which is basic and polar, at codon 1691 of the MYH6 protein (p.Arg1691His). This variant is present in population databases (rs727504502, gnomAD 0.006%). This missense change has been observed in individual(s) with hypertrophic cardiomyopathy (PMID: 31513939). ClinVar contains an entry for this variant (Variation ID: 178868). Invitae Evidence Modeling of protein sequence and biophysical properties (such as structural, functional, and spatial information, amino acid conservation, physicochemical variation, residue mobility, and thermodynamic stability) indicates that this missense variant is not expected to disrupt MYH6 protein function with a negative predictive value of 80%. In summary, the available evidence is currently insufficient to determine the role of this variant in disease. Therefore, it has been classified as a Variant of Uncertain Significance.

Ambry Genetics
Classification: Uncertain significance for Cardiovascular phenotype. Last evaluated: 2025-03-25. Review status: criteria provided, single submitter. Criteria: Ambry Variant Classification Scheme 2023. Collection method: clinical testing. Allele origin: germline.
Comment: The p.R1691H variant (also known as c.5072G>A), located in coding exon 32 of the MYH6 gene, results from a G to A substitution at nucleotide position 5072. The arginine at codon 1691 is replaced by histidine, an amino acid with highly similar properties. This alteration has been reported in hypertrophic cardiomyopathy (HCM) cohorts; however, clinical details were limited (Lopes LR et al. Heart, 2015 Feb;101:294-301; Robyns T et al. Eur J Med Genet, 2020 Mar;63:103754). This amino acid position is highly conserved in available vertebrate species. In addition, the in silico prediction for this alteration is inconclusive. Since supporting evidence is limited at this time, the clinical significance of this alteration remains unclear.

GeneDx
Classification: Uncertain significance. Last evaluated: 2024-05-23. Review status: criteria provided, single submitter. Criteria: GeneDx Variant Classification Process June 2021. Collection method: clinical testing. Allele origin: germline. Affected: yes.
Comment: Reported in association with cardiomyopathy in published literature; however, no segregation or functional studies were described (PMID: 28082330, 25351510, 31513939); Not observed at significant frequency in large population cohorts (gnomAD); In silico analysis supports that this missense variant has a deleterious effect on protein structure/function; This variant is associated with the following publications: (PMID: 25351510, 31513939, 38540378, 28082330)

AiLife Diagnostics
Classification: Uncertain significance. Last evaluated: 2021-08-03. Review status: criteria provided, single submitter. Criteria: ACMG Guidelines, 2015. Collection method: clinical testing. Allele origin: germline. Affected: yes. Observed: 1 variant allele.

Fulgent Genetics
Classification: Uncertain significance for Hypertrophic cardiomyopathy 1; Hypertrophic cardiomyopathy 14; Dilated cardiomyopathy 1EE; Atrial septal defect 3; Sick sinus syndrome 3, susceptibility to. Last evaluated: 2021-07-26. Review status: criteria provided, single submitter. Criteria: ACMG Guidelines, 2015. Collection method: clinical testing. Allele origin: unknown.

Center for Human Genetics, University of Leuven
Classification: Uncertain significance for Hypertrophic cardiomyopathy. Last evaluated: 2018-10-31. Review status: criteria provided, single submitter. Criteria: ACMG Guidelines, 2015. Collection method: clinical testing. Allele origin: germline. Affected: yes.

Laboratory for Molecular Medicine, Mass General Brigham Personalized Medicine
Classification: Uncertain significance. Last evaluated: 2013-04-09. Review status: criteria provided, single submitter. Criteria: LMM Criteria. Collection method: clinical testing. Allele origin: germline. Observed: 1 variant allele.
Comment: The Arg1691His variant in MYH6 has not been reported in the literature nor previ ously identified by our laboratory. This variant has not been identified in larg e European American and African American populations by the NHLBI Exome Sequenci ng Project, though it may be present in other populations. Computational analyses (biochemical amino acid properties, conserv ation, AlignGVGD, PolyPhen2, and SIFT) do not provide strong support for or agai nst an impact to the protein. At this time, additional studies are needed to ful ly assess the clinical significance of this variant.

PreventionGenetics, part of Exact Sciences
Classification: Uncertain significance for MYH6-related condition. Last evaluated: 2024-07-24. Review status: no assertion criteria provided. Collection method: clinical testing. Allele origin: germline. Not counted in ClinVar's aggregate classification.
Comment: The MYH6 c.5072G>A variant is predicted to result in the amino acid substitution p.Arg1691His. This variant has been reported in individuals with hypertrophic cardiomyopathy (Table S1, Lopes et al. 2015. PubMed ID: 25351510; Table S7, Walsh et al. 2017. PubMed ID: 28082330; Table S2, Robyns et al. 2020. PubMed ID: 31513939). This variant is reported in 0.0058% of alleles in individuals of Latino descent in gnomAD and is interpreted as uncertain significance by multiple submitters in ClinVar. At this time, the clinical significance of this variant is uncertain due to the absence of conclusive functional and genetic evidence.

Literature cited by the submitters: PubMed 31513939 (cited by 3 submitters); PubMed 25351510 (cited by Ambry Genetics).

NM_002471.4(MYH6):c.5072G>A (p.Arg1691His)

Genes: MYH6 (myosin heavy chain 6; minus strand), LOC126861896 (BRD4-independent group 4 enhancer GRCh37_chr14:23854904-23856103; plus strand). Cytogenetic location: 14q11.2.
Variant type: single nucleotide variant.
Coding change: c.5072G>A on transcript NM_002471.4 (MANE Select); coding-DNA position 5072, G replaced by A.
Protein change: p.Arg1691His; replaces arginine 1691 with histidine.
Molecular consequence: missense variant.
Genome position (GRCh38, 1-based): chr14:23,386,019, C>T on the plus strand (G>A on the coding strand, the complement: MYH6 is on the minus strand). VCF-style: chr14-23386019-C-T. GRCh37 (hg19) VCF-style: chr14-23855228-C-T.
Other names: short protein forms R1691H.
Identifiers: ClinVar variation 178868 (VCV000178868.24), dbSNP rs727504502, ClinGen allele CA183191.
Genomic context (GRCh38, chr14:23,386,019, plus strand): 5'-GTCTCAATCAGCTCCTGCTCCGCCAGCTTCCGGGACCGCTCTGTCTGCTCCACCACGGCA[C>T]GCAGCTCCTCCAGCTCAGCCTGCAGCAGGTTGTTGCGCCGCTCCACGATGGCGATGTTCT-3'
Protein context (NP_002462.2, residues 1681-1701): NLLQAELEEL[Arg1691His]AVVEQTERSR